The following is an entry in ClinVar:

NM_001122681.2(SH3BP2):c.241G>T (p.Val81Leu)

Gene: SH3BP2 (SH3 domain binding protein 2; plus strand). Cytogenetic location: 4p16.3.
Variant type: single nucleotide variant.
Coding change: c.241G>T on transcript NM_001122681.2 (MANE Select); coding-DNA position 241, G replaced by T.
Protein change: p.Val81Leu; replaces valine 81 with leucine.
Molecular consequence: missense variant.
Genome position (GRCh38, 1-based): chr4:2,824,614, G>T. VCF-style: chr4-2824614-G-T. GRCh37 (hg19) VCF-style: chr4-2826341-G-T.
Other names: c.325G>T, p.Val109Leu (NM_001145855.2); c.412G>T, p.Val138Leu (NM_001145856.2); c.241G>T, p.Val81Leu (NM_003023.4); short protein forms V138L, V109L, V81L.
Identifiers: ClinVar variation 3161249 (VCV003161249.3), dbSNP rs758854321, ClinGen allele CA2818988.

ClinVar aggregate classification (germline): Uncertain significance. Review status: criteria provided, multiple submitters, no conflicts (2 of 4 stars). 2 submissions from 2 submitters: Uncertain significance (2). Last evaluated 2026-01-11.

Conditions:
Inborn genetic diseases. Identifiers: MedGen C0950123, MeSH D030342.
Fibrous dysplasia of jaw (CRBM). Also called: Cherubism. Identifiers: Orphanet 184, MedGen C0008029, MONDO:0007315, OMIM 118400.

Allele frequency attached by ClinVar (database versions not stated): TOPMed below 0.00001; ExAC 0.00001; gnomAD exomes below 0.00001; gnomAD 0.00001.
gnomAD v4.1: 4 of 1,611,926 alleles (0.00025%); highest among the groups gnomAD compares: Non-Finnish European, 0.00025%; no homozygotes.

Submissions (2):

Labcorp Genetics (formerly Invitae), Labcorp
Classification: Uncertain significance for Fibrous dysplasia of jaw. Last evaluated: 2026-01-11. Review status: criteria provided, single submitter. Criteria: Invitae Variant Classification Sherloc (09022015). Collection method: clinical testing. Allele origin: germline.
Comment: This sequence change replaces valine, which is neutral and non-polar, with leucine, which is neutral and non-polar, at codon 81 of the SH3BP2 protein (p.Val81Leu). This variant is present in population databases (rs758854321, gnomAD 0.002%). This variant has not been reported in the literature in individuals affected with SH3BP2-related conditions. ClinVar contains an entry for this variant (Variation ID: 3161249). An algorithm developed to predict the effect of missense changes on protein structure and function (PolyPhen-2) suggests that this variant is likely to be tolerated. In summary, the available evidence is currently insufficient to determine the role of this variant in disease. Therefore, it has been classified as a Variant of Uncertain Significance.

Ambry Genetics
Classification: Uncertain significance for Inborn genetic diseases. Last evaluated: 2023-12-27. Review status: criteria provided, single submitter. Criteria: Ambry Variant Classification Scheme 2023. Collection method: clinical testing. Allele origin: germline.